The following is an entry in ClinVar:

NM_003002.4(SDHD):c.154T>G (p.Ser52Ala)

Gene: SDHD (succinate dehydrogenase complex subunit D; plus strand). Cytogenetic location: 11q23.1.
Variant type: single nucleotide variant.
Coding change: c.154T>G on transcript NM_003002.4 (MANE Select); coding-DNA position 154, T replaced by G.
Protein change: p.Ser52Ala; replaces serine 52 with alanine.
Molecular consequence: missense variant. On other transcripts: non-coding transcript variant (1), intron variant (1).
Genome position (GRCh38, 1-based): chr11:112,087,958, T>G. VCF-style: chr11-112087958-T-G. GRCh37 (hg19) VCF-style: chr11-111958682-T-G.
Other names: c.154T>G (NM_003002.2); c.154T>G, p.Ser52Ala (NM_001276503.2, NM_001276506.2); c.53-909T>G (NM_001276504.2); short protein forms S52A.
Identifiers: ClinVar variation 2929331 (VCV002929331.4), dbSNP rs2498900345, ClinGen allele CA382617102.

ClinVar aggregate classification (germline): Uncertain significance. Review status: criteria provided, multiple submitters, no conflicts (2 of 4 stars). 2 submissions from 2 submitters: Uncertain significance (2). Last evaluated 2026-08-10.

Conditions:
Hereditary cancer-predisposing syndrome. Also called: Hereditary Cancer Syndrome; Hereditary neoplastic syndrome; Neoplastic Syndromes, Hereditary; Tumor predisposition. Identifiers: Orphanet 140162, MedGen C0027672, MeSH D009386, MONDO:0015356.
Carney-Stratakis syndrome. Also called: PARAGANGLIOMA AND GASTROINTESTINAL STROMAL TUMOR. Identifiers: Orphanet 97286, MedGen C1847319, MONDO:0011740, OMIM 606864.
Pheochromocytoma. Also called: MAX-Related Hereditary Paraganglioma-Pheochromocytoma Syndrome. Identifiers: Orphanet 29072, MedGen C0031511, MONDO:0008233, OMIM 171300, HP:0002666.
Paragangliomas with sensorineural hearing loss. Identifiers: MedGen C1868633.
Cowden syndrome 3 (CWS3). Identifiers: Orphanet 201, MedGen CN166604, MONDO:0014045.

Submissions (2):

Ambry Genetics
Classification: Uncertain significance for Hereditary cancer-predisposing syndrome. Last evaluated: 2026-08-10. Review status: criteria provided, single submitter. Criteria: Ambry Variant Classification Scheme 2023. Collection method: clinical testing. Allele origin: germline.
Comment: The p.S52A variant (also known as c.154T>G), located in coding exon 2 of the SDHD gene, results from a T to G substitution at nucleotide position 154. The serine at codon 52 is replaced by alanine, an amino acid with similar properties. This amino acid position is conserved. In addition, the in silico prediction for this alteration is inconclusive. Based on the available evidence, the clinical significance of this variant remains unclear.

Labcorp Genetics (formerly Invitae), Labcorp
Classification: Uncertain significance for Carney-Stratakis syndrome; Paragangliomas with sensorineural hearing loss; Pheochromocytoma; Cowden syndrome 3. Last evaluated: 2025-06-03. Review status: criteria provided, single submitter. Criteria: Invitae Variant Classification Sherloc (09022015). Collection method: clinical testing. Allele origin: germline.
Comment: This sequence change replaces serine, which is neutral and polar, with alanine, which is neutral and non-polar, at codon 52 of the SDHD protein (p.Ser52Ala). This variant is not present in population databases (gnomAD no frequency). This variant has not been reported in the literature in individuals affected with SDHD-related conditions. ClinVar contains an entry for this variant (Variation ID: 2929331). Invitae Evidence Modeling of protein sequence and biophysical properties (such as structural, functional, and spatial information, amino acid conservation, physicochemical variation, residue mobility, and thermodynamic stability) indicates that this missense variant is not expected to disrupt SDHD protein function with a negative predictive value of 95%. In summary, the available evidence is currently insufficient to determine the role of this variant in disease. Therefore, it has been classified as a Variant of Uncertain Significance.